The following is an entry in ClinVar:

ClinVar aggregate classification (germline): Uncertain significance (1 of 4 stars; one submission).

Submission:

GeneDx
Classification: Uncertain significance. Last evaluated: 2024-05-17. Review status: criteria provided, single submitter. Criteria: GeneDx Variant Classification Process June 2021. Collection method: clinical testing. Allele origin: germline. Affected: yes.
Comment: Not observed at significant frequency in large population cohorts (gnomAD); In silico analysis supports that this missense variant has a deleterious effect on protein structure/function; Has not been previously published as pathogenic or benign to our knowledge

NM_001039141.3(TRIOBP):c.3257C>G (p.Pro1086Arg)

Gene: TRIOBP (TRIO and F-actin binding protein; plus strand). Cytogenetic location: 22q13.1.
Variant type: single nucleotide variant.
Coding change: c.3257C>G on transcript NM_001039141.3 (MANE Select); coding-DNA position 3257, C replaced by G.
Protein change: p.Pro1086Arg; replaces proline 1086 with arginine.
Molecular consequence: missense variant.
Genome position (GRCh38, 1-based): chr22:37,725,813, C>G. VCF-style: chr22-37725813-C-G. GRCh37 (hg19) VCF-style: chr22-38121820-C-G.
Other names: short protein forms P1086R.
Identifiers: ClinVar variation 3377844 (VCV003377844.1).
Genomic context (GRCh38, chr22:37,725,813, plus strand): 5'-GACACCGAGATGCCCCCCGGGCGTCCTCGCCCCCCCGCCACACCCAATTTGACCCCTTCC[C>G]CTTCCTCCCAGACACATCAGATGCCGAGCATCAGTGTCAGTCCCCCCAACACGAGCCCCT-3'
Protein context (NP_001034230.1, residues 1076-1096): PPRHTQFDPF[Pro1086Arg]FLPDTSDAEH